The following is an entry in ClinVar:

ClinVar aggregate classification (germline): Likely pathogenic. Review status: criteria provided, multiple submitters, no conflicts (2 of 4 stars). 2 submissions from 2 submitters: Likely pathogenic (2). Last evaluated 2024-02-23.

Conditions:
Sjögren-Larsson syndrome (SLS). Also called: FALDH DEFICIENCY; FATTY ALCOHOL:NAD+ OXIDOREDUCTASE DEFICIENCY; FATTY ALDEHYDE DEHYDROGENASE DEFICIENCY; ICHTHYOSIS, SPASTIC NEUROLOGIC DISORDER, AND OLIGOPHRENIA. Identifiers: Orphanet 816, MedGen C0037231, MONDO:0010031, OMIM 270200.

Allele frequency attached by ClinVar (database versions not stated): gnomAD exomes below 0.00001.
gnomAD v4.1: 1 of 1,613,882 alleles (0.000062%); highest among the groups gnomAD compares: Non-Finnish European, 0.000085%; no homozygotes.

Submissions (2):

Fulgent Genetics
Classification: Likely pathogenic for Sjögren-Larsson syndrome. Last evaluated: 2024-02-23. Review status: criteria provided, single submitter. Criteria: ACMG Guidelines, 2015. Collection method: clinical testing. Allele origin: germline.

Labcorp Genetics (formerly Invitae), Labcorp
Classification: Likely pathogenic. Last evaluated: 2023-06-06. Review status: criteria provided, single submitter. Criteria: Invitae Variant Classification Sherloc (09022015). Collection method: clinical testing. Allele origin: germline.
Comment: In summary, the currently available evidence indicates that the variant is pathogenic, but additional data are needed to prove that conclusively. Therefore, this variant has been classified as Likely Pathogenic. Algorithms developed to predict the effect of sequence changes on RNA splicing suggest that this variant may disrupt the consensus splice site. This variant has not been reported in the literature in individuals affected with ALDH3A2-related conditions. This variant is not present in population databases (gnomAD no frequency). This sequence change affects a donor splice site in intron 7 of the ALDH3A2 gene. It is expected to disrupt RNA splicing. Variants that disrupt the donor or acceptor splice site typically lead to a loss of protein function (PMID: 16199547), and loss-of-function variants in ALDH3A2 are known to be pathogenic (PMID: 10577908, 10854114).

Literature cited by the submitters: PubMed 16199547 (cited by Labcorp Genetics (formerly Invitae), Labcorp); PubMed 10577908 (cited by Labcorp Genetics (formerly Invitae), Labcorp); PubMed 10854114 (cited by Labcorp Genetics (formerly Invitae), Labcorp).

NM_000382.3(ALDH3A2):c.1107+1G>T

Gene: ALDH3A2 (aldehyde dehydrogenase 3 family member A2; plus strand). Cytogenetic location: 17p11.2.
Variant type: single nucleotide variant.
Coding change: c.1107+1G>T on transcript NM_000382.3 (MANE Select); the canonical splice donor site of the intron after coding-DNA position 1107, G replaced by T.
Molecular consequence: splice donor variant.
Genome position (GRCh38, 1-based): chr17:19,663,500, G>T. VCF-style: chr17-19663500-G-T. GRCh37 (hg19) VCF-style: chr17-19566813-G-T.
Other names: c.528+1G>T (NM_001369148.2); c.1107+1G>T (NM_001369137.2, NM_001369138.2, NM_001369146.2 and 3 more transcripts).
Identifiers: ClinVar variation 2980725 (VCV002980725.4), dbSNP rs1456560062, ClinGen allele CA398710294.